The following is an entry in ClinVar:

NM_001164508.2(NEB):c.21919C>A (p.Leu7307Ile)

Genes: NEB (nebulin; minus strand), RIF1 (replication timing regulatory factor 1; plus strand). Cytogenetic location: 2q23.3.
Variant type: single nucleotide variant.
Coding change: c.21919C>A on transcript NM_001164508.2 (MANE Select); coding-DNA position 21919, C replaced by A.
Protein change: p.Leu7307Ile; replaces leucine 7307 with isoleucine.
Molecular consequence: missense variant.
Genome position (GRCh38, 1-based): chr2:151,526,944, G>T on the plus strand (C>A on the coding strand, the complement: NEB is on the minus strand). VCF-style: chr2-151526944-G-T. GRCh37 (hg19) VCF-style: chr2-152383458-G-T.
Other names: c.21919C>A, p.Leu7307Ile (NM_001164507.2); c.22024C>A, p.Leu7342Ile (NM_001271208.2); c.16816C>A, p.Leu5606Ile (NM_004543.5); short protein forms L7342I, L7307I, L5606I.
Identifiers: ClinVar variation 2099815 (VCV002099815.1), dbSNP rs2552124158, ClinGen allele CA348768178.
Genomic context (GRCh38, chr2:151,526,944, plus strand): 5'-AGGTTAGGCATCATGGAAGGAACTAGGTACTTACATCACTTTCTATTAAAGTATTCCTGA[G>T]GGCGAGCACCGTGTTTTTGTCATCAGTGACAGAAAGCTTGCAACCCTTGAGGAACTCCCG-3'
Protein context (NP_001157980.2, residues 7297-7317): VTDDKNTVLA[Leu7307Ile]RNTLIESDLK

ClinVar aggregate classification (germline): Uncertain significance (1 of 4 stars; one submission).

Conditions:
Nemaline myopathy 2 (NEM2). Also called: Nemaline myopathy 2, autosomal recessive. Identifiers: MedGen C1850569, MONDO:0009725, OMIM 256030.

gnomAD v4.1: 1 of 1,600,808 alleles (0.000062%); highest among the groups gnomAD compares: Non-Finnish European, 0.000085%; no homozygotes.

Submission:

Labcorp Genetics (formerly Invitae), Labcorp
Classification: Uncertain significance for Nemaline myopathy 2. Last evaluated: 2022-02-20. Review status: criteria provided, single submitter. Criteria: Invitae Variant Classification Sherloc (09022015). Collection method: clinical testing. Allele origin: germline.
Comment: This sequence change replaces leucine, which is neutral and non-polar, with isoleucine, which is neutral and non-polar, at codon 7342 of the NEB protein (p.Leu7342Ile). This variant is not present in population databases (gnomAD no frequency). This variant has not been reported in the literature in individuals affected with NEB-related conditions. Algorithms developed to predict the effect of missense changes on protein structure and function are either unavailable or do not agree on the potential impact of this missense change (SIFT: "Deleterious"; PolyPhen-2: "Not Available"; Align-GVGD: "Class C0"). In summary, the available evidence is currently insufficient to determine the role of this variant in disease. Therefore, it has been classified as a Variant of Uncertain Significance.